The following is an entry in ClinVar:

ClinVar aggregate classification (germline): Uncertain significance (1 of 4 stars; one submission).

Allele frequency attached by ClinVar (database versions not stated): gnomAD 0.00002; TOPMed 0.00002; ESP Exome Variant Server 0.00009.
gnomAD v4.1: 28 of 1,194,007 alleles (0.0023%); highest among the groups gnomAD compares: African/African-American, 0.0035%; no homozygotes.

Submission:

Women's Health and Genetics/Laboratory Corporation of America, LabCorp
Classification: Uncertain significance. Last evaluated: 2022-12-12. Review status: criteria provided, single submitter. Criteria: LabCorp Variant Classification Summary - May 2015. Collection method: clinical testing. Allele origin: germline.
Comment: Variant summary: OPHN1 c.1025+13G>A alters a non-conserved nucleotide located close to a canonical splice site and therefore could affect mRNA splicing, leading to a significantly altered protein sequence. 4/4 computational tools predict no significant impact on normal splicing. However, these predictions have yet to be confirmed by functional studies. The variant allele was found at a frequency of 1.6e-05 in 182649 control chromosomes, including 1 hemizygote (gnomAD). The available data on variant occurrences in the general population are insufficient to allow any conclusion about variant significance. To our knowledge, no occurrence of c.1025+13G>A in individuals affected with X-Linked Intellectual Disability-Cerebellar Hypoplasia Syndrome and no experimental evidence demonstrating its impact on protein function have been reported. No clinical diagnostic laboratories have submitted clinical-significance assessments for this variant to ClinVar after 2014. Based on the evidence outlined above, the variant was classified as uncertain significance.

NM_002547.3(OPHN1):c.1025+13G>A

Gene: OPHN1 (oligophrenin 1; minus strand). Cytogenetic location: Xq12.
Variant type: single nucleotide variant.
Coding change: c.1025+13G>A on transcript NM_002547.3 (MANE Select); 13 bases into the intron after coding-DNA position 1025, G replaced by A.
Molecular consequence: intron variant.
Genome position (GRCh38, 1-based): chrX:68,201,606, C>T on the plus strand (G>A on the coding strand, the complement: OPHN1 is on the minus strand). VCF-style: chrX-68201606-C-T. GRCh37 (hg19) VCF-style: chrX-67421448-C-T.
Identifiers: ClinVar variation 1878284 (VCV001878284.1), dbSNP rs369440570, ClinGen allele CA10437003.